The following is an entry in ClinVar:

NM_000051.4(ATM):c.8268+14C>T

Genes: ATM (ATM serine/threonine kinase; plus strand), C11orf65 (chromosome 11 open reading frame 65; minus strand). Cytogenetic location: 11q22.3.
Variant type: single nucleotide variant.
Coding change: c.8268+14C>T on transcript NM_000051.4 (MANE Select); 14 bases into the intron after coding-DNA position 8268, C replaced by T.
Molecular consequence: intron variant.
Genome position (GRCh38, 1-based): chr11:108,335,975, C>T. VCF-style: chr11-108335975-C-T. GRCh37 (hg19) VCF-style: chr11-108206702-C-T.
Other names: c.8268+14C>T (NM_001351834.2); c.641-26904G>A (NM_001330368.2); c.695-683G>A (NM_001351110.2).
Identifiers: ClinVar variation 377523 (VCV000377523.9), dbSNP rs1057520231, ClinGen allele CA16606130.

ClinVar aggregate classification (germline): Likely benign. Review status: criteria provided, multiple submitters, no conflicts (2 of 4 stars). 2 submissions from 2 submitters: Likely benign (2). Last evaluated 2025-10-18.

Conditions:
Ataxia-telangiectasia syndrome (AT). Also called: Ataxia-telangiectasia, complementation group D; Ataxia-telangiectasia, complementation group E; LOUIS-BAR SYNDROME; AT, COMPLEMENTATION GROUP C; ATAXIA-TELANGIECTASIA, COMPLEMENTATION GROUP A; ATAXIA-TELANGIECTASIA, FRESNO VARIANT. Identifiers: Orphanet 100, MedGen C0004135, MONDO:0008840, OMIM 208900.

Allele frequency attached by ClinVar (database versions not stated): gnomAD exomes below 0.00001.
gnomAD v4.1: 1 of 1,577,618 alleles (0.000063%); highest among the groups gnomAD compares: Non-Finnish European, 0.000087%; no homozygotes.

Submissions (2):

Labcorp Genetics (formerly Invitae), Labcorp
Classification: Likely benign for Ataxia-telangiectasia syndrome. Last evaluated: 2025-10-18. Review status: criteria provided, single submitter. Criteria: Invitae Variant Classification Sherloc (09022015). Collection method: clinical testing. Allele origin: germline.

GeneDx
Classification: Likely benign. Last evaluated: 2015-10-22. Review status: criteria provided, single submitter. Criteria: GeneDx Variant Classification (06012015). Collection method: clinical testing. Allele origin: germline. Affected: yes.
Comment: This variant is considered likely benign or benign based on one or more of the following criteria: it is a conservative change, it occurs at a poorly conserved position in the protein, it is predicted to be benign by multiple in silico algorithms, and/or has population frequency not consistent with disease.